The following is an entry in ClinVar:

ClinVar aggregate classification (germline): Uncertain significance (1 of 4 stars; one submission).

Conditions:
Cardiovascular phenotype. Identifiers: MedGen CN230736.

gnomAD v4.1: 2 of 1,610,540 alleles (0.00012%); highest among the groups gnomAD compares: Non-Finnish European, 0.00017%; no homozygotes.

Submission:

Ambry Genetics
Classification: Uncertain significance for Cardiovascular phenotype. Last evaluated: 2026-09-09. Review status: criteria provided, single submitter. Criteria: Ambry Variant Classification Scheme 2023. Collection method: clinical testing. Allele origin: germline.
Comment: The p.D246E variant (also known as c.738T>A), located in coding exon 6 of the ENG gene, results from a T to A substitution at nucleotide position 738. The aspartic acid at codon 246 is replaced by glutamic acid, an amino acid with highly similar properties. This amino acid position is conserved. In addition, this alteration is predicted to be tolerated by in silico analysis. Based on the available evidence, the clinical significance of this variant remains unclear.

NM_001114753.3(ENG):c.738T>A (p.Asp246Glu)

Gene: ENG (endoglin; minus strand). Cytogenetic location: 9q34.11.
Variant type: single nucleotide variant.
Coding change: c.738T>A on transcript NM_001114753.3 (MANE Select); coding-DNA position 738, T replaced by A.
Protein change: p.Asp246Glu; replaces aspartic acid 246 with glutamic acid.
Molecular consequence: missense variant.
Genome position (GRCh38, 1-based): chr9:127,825,309, A>T on the plus strand (T>A on the coding strand, the complement: ENG is on the minus strand). VCF-style: chr9-127825309-A-T. GRCh37 (hg19) VCF-style: chr9-130587588-A-T.
Other names: c.738T>A, p.Asp246Glu (NM_000118.4, NM_001406715.1); c.192T>A, p.Asp64Glu (NM_001278138.2); short protein forms D246E, D64E.
Identifiers: ClinVar variation 5036001 (VCV005036001.1).